The following is an entry in ClinVar:

NM_001035.3(RYR2):c.9037G>A (p.Val3013Ile)

Gene: RYR2 (ryanodine receptor 2; plus strand). Cytogenetic location: 1q43.
Variant type: single nucleotide variant.
Coding change: c.9037G>A on transcript NM_001035.3 (MANE Select); coding-DNA position 9037, G replaced by A.
Protein change: p.Val3013Ile; replaces valine 3013 with isoleucine.
Molecular consequence: missense variant.
Genome position (GRCh38, 1-based): chr1:237,687,474, G>A. VCF-style: chr1-237687474-G-A. GRCh37 (hg19) VCF-style: chr1-237850774-G-A.
Other names: short protein forms V3013I.
Identifiers: ClinVar variation 2741731 (VCV002741731.3), dbSNP rs1686529944, ClinGen allele CA345405825.

ClinVar aggregate classification (germline): Uncertain significance (1 of 4 stars; one submission).

Conditions:
Catecholaminergic polymorphic ventricular tachycardia 1. Also called: VENTRICULAR TACHYCARDIA, CATECHOLAMINERGIC POLYMORPHIC, 1, WITH OR WITHOUT ATRIAL DYSFUNCTION AND/OR DILATED CARDIOMYOPATHY; RYR2-Related Catecholaminergic Polymorphic Ventricular Tachycardia; VENTRICULAR TACHYCARDIA, STRESS-INDUCED POLYMORPHIC 1. Identifiers: Orphanet 3286, MedGen C1631597, MONDO:0011484, OMIM 604772.

Allele frequency attached by ClinVar (database versions not stated): gnomAD 0.00001; TOPMed 0.00002.
gnomAD v4.1: 1 of 1,588,318 alleles (0.000063%); highest among the groups gnomAD compares: Admixed American, 0.0017%; no homozygotes.

Submission:

Labcorp Genetics (formerly Invitae), Labcorp
Classification: Uncertain significance for Catecholaminergic polymorphic ventricular tachycardia 1. Last evaluated: 2022-12-05. Review status: criteria provided, single submitter. Criteria: Invitae Variant Classification Sherloc (09022015). Collection method: clinical testing. Allele origin: germline.
Comment: In summary, the available evidence is currently insufficient to determine the role of this variant in disease. Therefore, it has been classified as a Variant of Uncertain Significance. Advanced modeling of protein sequence and biophysical properties (such as structural, functional, and spatial information, amino acid conservation, physicochemical variation, residue mobility, and thermodynamic stability) performed at Invitae indicates that this missense variant is not expected to disrupt RYR2 protein function. This variant has not been reported in the literature in individuals affected with RYR2-related conditions. This variant is not present in population databases (gnomAD no frequency). This sequence change replaces valine, which is neutral and non-polar, with isoleucine, which is neutral and non-polar, at codon 3013 of the RYR2 protein (p.Val3013Ile).